The following is an entry in ClinVar:

ClinVar aggregate classification (germline): Pathogenic. Review status: reviewed by expert panel (3 of 4 stars). 4 submissions from 4 submitters: Pathogenic (1). 3 of the submissions do not count toward it. Last evaluated 2016-10-18.

Conditions:
Hereditary breast ovarian cancer syndrome. Also called: Hereditary breast and ovarian cancer syndrome (HBOC); Breast and ovarian cancer; Hereditary breast and ovarian cancer syndrome; Hereditary breast and ovarian cancer; BRCA1- and BRCA2-Associated Hereditary Breast and Ovarian Cancer; Hereditary breast and/or ovarian cancer syndrome. Identifiers: Orphanet 145, MedGen C0677776, MeSH D061325, MONDO:0003582. Disease mechanism: loss of function.
Breast-ovarian cancer, familial, susceptibility to, 1 (BROVCA1). Also called: BRCA1 Hereditary Breast and Ovarian Cancer; OVARIAN CANCER, SUSCEPTIBILITY TO. Identifiers: Orphanet 145, MedGen C2676676, MONDO:0011450, OMIM 604370. Disease mechanism: loss of function.

Submissions (5):

Evidence-based Network for the Interpretation of Germline Mutant Alleles (ENIGMA)
Classification: Pathogenic for Breast-ovarian cancer, familial, susceptibility to, 1. Last evaluated: 2016-10-18. Review status: reviewed by expert panel. Criteria: ENIGMA BRCA1/2 Classification Criteria (2015). Collection method: curation. Allele origin: germline.
Comment: Variant allele predicted to encode a truncated non-functional protein.

Labcorp Genetics (formerly Invitae), Labcorp
Classification: Pathogenic for Hereditary breast ovarian cancer syndrome. Last evaluated: 2023-11-08. Review status: criteria provided, single submitter. Criteria: Invitae Variant Classification Sherloc (09022015). Collection method: clinical testing. Allele origin: germline. Not counted in ClinVar's aggregate classification.
Comment: This sequence change creates a premature translational stop signal (p.Leu87*) in the BRCA1 gene. It is expected to result in an absent or disrupted protein product. Loss-of-function variants in BRCA1 are known to be pathogenic (PMID: 20104584). This variant is not present in population databases (gnomAD no frequency). This premature translational stop signal has been observed in individual(s) with breast and/or ovarian cancer (PMID: 29446198). ClinVar contains an entry for this variant (Variation ID: 266284). For these reasons, this variant has been classified as Pathogenic.

Consortium of Investigators of Modifiers of BRCA1/2 (CIMBA), c/o University of Cambridge
Classification: Pathogenic for Breast-ovarian cancer, familial, susceptibility to, 1. Last evaluated: 2015-10-02. Review status: criteria provided, single submitter. Criteria: CIMBA Mutation Classification guidelines May 2016. Collection method: clinical testing. Allele origin: germline. Not counted in ClinVar's aggregate classification.

BRCAlab, Lund University
Classification: Pathogenic for Breast-ovarian cancer, familial, susceptibility to, 1. Last evaluated: 2020-03-02. Review status: no assertion criteria provided. Collection method: clinical testing. Allele origin: germline. Affected: yes. Not counted in ClinVar's aggregate classification.

Brotman Baty Institute, University of Washington
No classification provided (evidence only). Condition: Breast-ovarian cancer, familial 1. Review status: no classification provided. Collection method: in vitro. Allele origin: not applicable. Functional consequence: functionally_abnormal. Not counted in ClinVar's aggregate classification.
ClinVar note: "not provided" was previously submitted as the classification for the variant. However, the classification appeared to be based only on an observation of functional data so it was converted to no classification on 2025-07-30.

Literature cited by the submitters: PubMed 20104584 (cited by Labcorp Genetics (formerly Invitae), Labcorp); PubMed 29446198 (cited by Labcorp Genetics (formerly Invitae), Labcorp).

NM_007294.4(BRCA1):c.260T>A (p.Leu87Ter)

Gene: BRCA1 (BRCA1 DNA repair associated; minus strand). Cytogenetic location: 17q21.31.
Variant type: single nucleotide variant.
Coding change: c.260T>A on transcript NM_007294.4 (MANE Select); coding-DNA position 260, T replaced by A.
Protein change: p.Leu87Ter; replaces leucine 87 with a stop codon.
Molecular consequence: nonsense. On other transcripts: non-coding transcript variant (1).
Genome position (GRCh38, 1-based): chr17:43,104,909, A>T on the plus strand (T>A on the coding strand, the complement: BRCA1 is on the minus strand). VCF-style: chr17-43104909-A-T. GRCh37 (hg19) VCF-style: chr17-41256926-A-T.
Other names: 379T>A; c.260T>A, p.Leu87Ter (NM_001408446.1, NM_001408447.1, NM_001408448.1 and 168 more transcripts); c.128T>A, p.Leu43Ter (NM_001408451.1); c.119T>A, p.Leu40Ter (NM_001408452.1, NM_001408453.1, NM_001408454.1 and 99 more transcripts); c.182T>A, p.Leu61Ter (NM_001408474.1, NM_001408475.1, NM_001408476.1 and 21 more transcripts); c.50T>A, p.Leu17Ter (NM_001408478.1, NM_001408479.1, NM_001408480.1 and 58 more transcripts); c.-122T>A (NM_001407959.1, NM_001407960.1, NM_001407962.1 and 4 more transcripts); short protein forms L87*, L40*, L43*, L61*, L17*.
Identifiers: ClinVar variation 266284 (VCV000266284.12), dbSNP rs886040054, ClinGen allele CA10590026.